The following is an entry in ClinVar:

NM_032444.4(SLX4):c.4979C>T (p.Ala1660Val)

Gene: SLX4 (SLX4 structure-specific endonuclease subunit; minus strand). Cytogenetic location: 16p13.3.
Variant type: single nucleotide variant.
Coding change: c.4979C>T on transcript NM_032444.4 (MANE Select); coding-DNA position 4979, C replaced by T.
Protein change: p.Ala1660Val; replaces alanine 1660 with valine.
Molecular consequence: missense variant.
Genome position (GRCh38, 1-based): chr16:3,583,271, G>A on the plus strand (C>T on the coding strand, the complement: SLX4 is on the minus strand). VCF-style: chr16-3583271-G-A. GRCh37 (hg19) VCF-style: chr16-3633272-G-A.
Other names: short protein forms A1660V.
Identifiers: ClinVar variation 3013575 (VCV003013575.3), dbSNP rs777019336, ClinGen allele CA394514990.

ClinVar aggregate classification (germline): Uncertain significance (1 of 4 stars; one submission).

Conditions:
Fanconi anemia (FA). Also called: Fanconi's anemia. Identifiers: Orphanet 84, MedGen C0015625, MeSH D005199, MONDO:0019391.

gnomAD v4.1: 1 of 1,614,194 alleles (0.000062%); no homozygotes.

Submission:

Labcorp Genetics (formerly Invitae), Labcorp
Classification: Uncertain significance for Fanconi anemia. Last evaluated: 2024-01-21. Review status: criteria provided, single submitter. Criteria: Invitae Variant Classification Sherloc (09022015). Collection method: clinical testing. Allele origin: germline.
Comment: This sequence change replaces alanine, which is neutral and non-polar, with valine, which is neutral and non-polar, at codon 1660 of the SLX4 protein (p.Ala1660Val). This variant is not present in population databases (gnomAD no frequency). This variant has not been reported in the literature in individuals affected with SLX4-related conditions. An algorithm developed to predict the effect of missense changes on protein structure and function (PolyPhen-2) suggests that this variant is likely to be tolerated. In summary, the available evidence is currently insufficient to determine the role of this variant in disease. Therefore, it has been classified as a Variant of Uncertain Significance.